The following is an entry in ClinVar:

ClinVar aggregate classification (germline): Pathogenic (1 of 4 stars; one submission).

Submission:

Labcorp Genetics (formerly Invitae), Labcorp
Classification: Pathogenic. Last evaluated: 2024-11-26. Review status: criteria provided, single submitter. Criteria: Invitae Variant Classification Sherloc (09022015). Collection method: clinical testing. Allele origin: germline.
Comment: This sequence change creates a premature translational stop signal (p.Lys195Glufs*22) in the TK2 gene. It is expected to result in an absent or disrupted protein product. Loss-of-function variants in TK2 are known to be pathogenic (PMID: 20421844). This variant is not present in population databases (gnomAD no frequency). This variant has not been reported in the literature in individuals affected with TK2-related conditions. Algorithms developed to predict the effect of sequence changes on RNA splicing suggest that this variant may disrupt the consensus splice site. For these reasons, this variant has been classified as Pathogenic.

Literature cited by the submitters: PubMed 20421844.

NM_004614.5(TK2):c.583_584del (p.Lys195fs)

Gene: TK2 (thymidine kinase 2; minus strand). Cytogenetic location: 16q21.
Variant type: Deletion.
Coding change: c.583_584del on transcript NM_004614.5 (MANE Select); coding-DNA positions 583 to 584, 2 bases deleted (AA; older notation c.583_584delAA).
Protein change: p.Lys195fs; shifts the reading frame from lysine 195.
Molecular consequence: frameshift variant. On other transcripts: non-coding transcript variant (1), intron variant (1).
Genome position (GRCh38, 1-based): chr16:66,517,170-66,517,171, TT deleted on the plus strand (AA on the coding strand, the reverse complement: TK2 is on the minus strand). VCF-style (leftmost placement, unchanged base first): chr16-66517169-CTT-C. GRCh37 (hg19) VCF-style: chr16-66551072-CTT-C.
Other names: c.490_491del, p.Lys164fs (NM_001172643.1); c.508_509del, p.Lys170fs (NM_001172644.2); c.529_530del, p.Lys177fs (NM_001172645.2); c.436_437del, p.Lys146fs (NM_001271934.2); c.292_293del, p.Lys98fs (NM_001272050.2); c.357-3360_357-3359del (NM_001271935.1); short protein forms K146fs, K164fs, K177fs, K195fs, K98fs, K170fs.
Identifiers: ClinVar variation 3682154 (VCV003682154.2).